The following is an entry in ClinVar:

NM_014317.5(PDSS1):c.53C>G (p.Ala18Gly)

Gene: PDSS1 (decaprenyl diphosphate synthase subunit 1; plus strand). Cytogenetic location: 10p12.1.
Variant type: single nucleotide variant.
Coding change: c.53C>G on transcript NM_014317.5 (MANE Select); coding-DNA position 53, C replaced by G.
Protein change: p.Ala18Gly; replaces alanine 18 with glycine.
Molecular consequence: missense variant. On other transcripts: 5 prime UTR variant (1).
Genome position (GRCh38, 1-based): chr10:26,697,764, C>G. VCF-style: chr10-26697764-C-G. GRCh37 (hg19) VCF-style: chr10-26986693-C-G.
Other names: c.53C>G, p.Ala18Gly (NM_001321978.2); c.-541C>G (NM_001321979.2); short protein forms A18G.
Identifiers: ClinVar variation 1504388 (VCV001504388.3), dbSNP rs2132195759, ClinGen allele CA376488881.

ClinVar aggregate classification (germline): Uncertain significance (1 of 4 stars; one submission).

Submission:

Labcorp Genetics (formerly Invitae), Labcorp
Classification: Uncertain significance. Last evaluated: 2022-06-27. Review status: criteria provided, single submitter. Criteria: Invitae Variant Classification Sherloc (09022015). Collection method: clinical testing. Allele origin: germline.
Comment: This sequence change replaces alanine with glycine at codon 18 of the PDSS1 protein (p.Ala18Gly). The alanine residue is weakly conserved and there is a small physicochemical difference between alanine and glycine. This variant is not present in population databases (gnomAD no frequency). This variant has not been reported in the literature in individuals affected with PDSS1-related conditions. Algorithms developed to predict the effect of missense changes on protein structure and function are either unavailable or do not agree on the potential impact of this missense change (SIFT: "Not Available"; PolyPhen-2: "Benign"; Align-GVGD: "Not Available"). In summary, the available evidence is currently insufficient to determine the role of this variant in disease. Therefore, it has been classified as a Variant of Uncertain Significance.